The following is an entry in ClinVar:

NM_000548.5(TSC2):c.4468G>A (p.Glu1490Lys)

Gene: TSC2 (TSC complex subunit 2; plus strand). Cytogenetic location: 16p13.3.
Variant type: single nucleotide variant.
Coding change: c.4468G>A on transcript NM_000548.5 (MANE Select); coding-DNA position 4468, G replaced by A.
Protein change: p.Glu1490Lys; replaces glutamic acid 1490 with lysine.
Molecular consequence: missense variant.
Genome position (GRCh38, 1-based): chr16:2,084,690, G>A. VCF-style: chr16-2084690-G-A. GRCh37 (hg19) VCF-style: chr16-2134691-G-A.
Other names: c.4267G>A, p.Glu1423Lys (NM_001077183.3); c.4399G>A, p.Glu1467Lys (NM_001114382.3); c.4159G>A, p.Glu1387Lys (NM_001318827.2); c.4123G>A, p.Glu1375Lys (NM_001318829.2); c.3736G>A, p.Glu1246Lys (NM_001318831.2); c.4300G>A, p.Glu1434Lys (NM_001318832.2); c.4270G>A, p.Glu1424Lys (NM_001363528.2); c.4336G>A, p.Glu1446Lys (NM_001370404.1); and 1 more; short protein forms E1375K, E1423K, E1446K, E1467K, E1490K, E1246K, E1387K, E1424K.
Identifiers: ClinVar variation 860627 (VCV000860627.10), dbSNP rs2090542133, ClinGen allele CA394302495.

ClinVar aggregate classification (germline): Uncertain significance. Review status: criteria provided, multiple submitters, no conflicts (2 of 4 stars). 2 submissions from 2 submitters: Uncertain significance (2). Last evaluated 2024-09-18.

Conditions:
Tuberous sclerosis syndrome (TSC). Also called: Tuberous Sclerosis Complex; Tuberous sclerosis. Identifiers: Orphanet 805, MedGen C0041341, MONDO:0001734.
Tuberous sclerosis 2 (TSC2). Identifiers: Orphanet 805, MedGen C1860707, MONDO:0013199, OMIM 613254.

Allele frequency attached by ClinVar (database versions not stated): gnomAD exomes below 0.00001.
gnomAD v4.1: 1 of 1,598,448 alleles (0.000063%); highest among the groups gnomAD compares: Non-Finnish European, 0.000085%; no homozygotes.

Submissions (2):

Labcorp Genetics (formerly Invitae), Labcorp
Classification: Uncertain significance for Tuberous sclerosis 2. Last evaluated: 2024-09-18. Review status: criteria provided, single submitter. Criteria: Invitae Variant Classification Sherloc (09022015). Collection method: clinical testing. Allele origin: germline.
Comment: This sequence change replaces glutamic acid, which is acidic and polar, with lysine, which is basic and polar, at codon 1490 of the TSC2 protein (p.Glu1490Lys). This variant is not present in population databases (gnomAD no frequency). This variant has not been reported in the literature in individuals affected with TSC2-related conditions. ClinVar contains an entry for this variant (Variation ID: 860627). Invitae Evidence Modeling of protein sequence and biophysical properties (such as structural, functional, and spatial information, amino acid conservation, physicochemical variation, residue mobility, and thermodynamic stability) indicates that this missense variant is not expected to disrupt TSC2 protein function with a negative predictive value of 95%. In summary, the available evidence is currently insufficient to determine the role of this variant in disease. Therefore, it has been classified as a Variant of Uncertain Significance.

All of Us Research Program, National Institutes of Health
Classification: Uncertain significance for Tuberous sclerosis syndrome. Last evaluated: 2023-11-02. Review status: criteria provided, single submitter. Criteria: ACMG Guidelines, 2015. Collection method: clinical testing. Allele origin: germline. Inheritance: Autosomal dominant inheritance. Observed: 1 variant allele, 1 heterozygote.
Comment: This missense variant replaces glutamic acid with lysine at codon 1490 of the TSC2 protein. Computational prediction suggests that this variant may have deleterious impact on protein structure and function (internally defined REVEL score threshold >= 0.7, PMID: 27666373). To our knowledge, functional studies have not been reported for this variant. This variant has not been reported in individuals affected with TSC2-related disorders in the literature. This variant has not been identified in the general population by the Genome Aggregation Database (gnomAD). The available evidence is insufficient to determine the role of this variant in disease conclusively. Therefore, this variant is classified as a Variant of Uncertain Significance.

This study involves interpretation of variants in research participants for the purpose of population health screening. Participant phenotype was not available at the time of variant classification. Additional details can be found in publication PMID: 35346344, PMCID: PMC8962531